The following is an entry in ClinVar:

ClinVar aggregate classification (germline): Uncertain significance. Review status: criteria provided, multiple submitters, no conflicts (2 of 4 stars). 3 submissions from 3 submitters: Uncertain significance (3). Last evaluated 2025-11-10.

Conditions:
Inborn genetic diseases. Identifiers: MedGen C0950123, MeSH D030342.

gnomAD v4.1: 101 of 1,609,176 alleles (0.0063%); highest among the groups gnomAD compares: African/African-American, 0.13%; no homozygotes.

Submissions (3):

Labcorp Genetics (formerly Invitae), Labcorp
Classification: Uncertain significance. Last evaluated: 2025-11-10. Review status: criteria provided, single submitter. Criteria: Invitae Variant Classification Sherloc (09022015). Collection method: clinical testing. Allele origin: germline.
Comment: This sequence change replaces glutamic acid, which is acidic and polar, with valine, which is neutral and non-polar, at codon 1737 of the FREM1 protein (p.Glu1737Val). This variant is present in population databases (rs199619316, gnomAD 0.1%). This variant has not been reported in the literature in individuals affected with FREM1-related conditions. ClinVar contains an entry for this variant (Variation ID: 3851578). Invitae Evidence Modeling of protein sequence and biophysical properties (such as structural, functional, and spatial information, amino acid conservation, physicochemical variation, residue mobility, and thermodynamic stability) indicates that this missense variant is not expected to disrupt FREM1 protein function with a negative predictive value of 80%. In summary, the available evidence is currently insufficient to determine the role of this variant in disease. Therefore, it has been classified as a Variant of Uncertain Significance.

GeneDx
Classification: Uncertain significance. Last evaluated: 2025-03-01. Review status: criteria provided, single submitter. Criteria: GeneDx Variant Classification Process June 2021. Collection method: clinical testing. Allele origin: germline. Affected: yes.
Comment: In silico analysis supports that this missense variant has a deleterious effect on protein structure/function; Has not been previously published as pathogenic or benign to our knowledge

Ambry Genetics
Classification: Uncertain significance for Inborn genetic diseases. Last evaluated: 2025-02-27. Review status: criteria provided, single submitter. Criteria: Ambry Variant Classification Scheme 2023. Collection method: clinical testing. Allele origin: germline.

NM_001379081.2(FREM1):c.5210A>T (p.Glu1737Val)

Gene: FREM1 (FRAS1 related extracellular matrix 1; minus strand). Cytogenetic location: 9p22.3.
Variant type: single nucleotide variant.
Coding change: c.5210A>T on transcript NM_001379081.2 (MANE Select); coding-DNA position 5210, A replaced by T.
Protein change: p.Glu1737Val; replaces glutamic acid 1737 with valine.
Molecular consequence: missense variant. On other transcripts: non-coding transcript variant (2).
Genome position (GRCh38, 1-based): chr9:14,759,896, T>A on the plus strand (A>T on the coding strand, the complement: FREM1 is on the minus strand). VCF-style: chr9-14759896-T-A. GRCh37 (hg19) VCF-style: chr9-14759894-T-A.
Other names: c.818A>T, p.Glu273Val (NM_001177704.3, NM_001370058.2, NM_001370061.2); c.5210A>T, p.Glu1737Val (NM_144966.7); short protein forms E1737V, E273V.
Identifiers: ClinVar variation 3851578 (VCV003851578.3).